The following is an entry in ClinVar:

ClinVar aggregate classification (germline): Pathogenic (1 of 4 stars; one submission).

Conditions:
Developmental and epileptic encephalopathy, 53. Also called: Epileptic encephalopathy, early infantile, 53. Identifiers: MedGen C4479313, MONDO:0033362, OMIM 617389.
Early-onset Parkinson disease 20. Also called: PARKINSON DISEASE 20, AUTOSOMAL RECESSIVE EARLY-ONSET. Identifiers: Orphanet 391411, MedGen C3809824, MONDO:0014233, OMIM 615530.

Submission:

Labcorp Genetics (formerly Invitae), Labcorp
Classification: Pathogenic for Developmental and epileptic encephalopathy, 53; Early-onset Parkinson disease 20. Last evaluated: 2022-08-22. Review status: criteria provided, single submitter. Criteria: Invitae Variant Classification Sherloc (09022015). Collection method: clinical testing. Allele origin: germline.
Comment: For these reasons, this variant has been classified as Pathogenic. ClinVar contains an entry for this variant (Variation ID: 1361698). This variant has not been reported in the literature in individuals affected with SYNJ1-related conditions. This variant is not present in population databases (gnomAD no frequency). This sequence change creates a premature translational stop signal (p.Thr138Leufs*25) in the SYNJ1 gene. It is expected to result in an absent or disrupted protein product. Loss-of-function variants in SYNJ1 are known to be pathogenic (PMID: 25316601, 27435091).

Literature cited by the submitters: PubMed 25316601; PubMed 27435091.

NM_203446.3(SYNJ1):c.295del (p.Thr99fs)

Gene: SYNJ1 (synaptojanin 1; minus strand). Cytogenetic location: 21q22.11.
Variant type: Deletion.
Coding change: c.295del on transcript NM_203446.3 (MANE Select); coding-DNA position 295, one base deleted (A; older notation c.295delA).
Protein change: p.Thr99fs; shifts the reading frame from threonine 99.
Molecular consequence: frameshift variant.
Genome position (GRCh38, 1-based): chr21:32,700,022, T deleted on the plus strand (A on the coding strand, the reverse complement: SYNJ1 is on the minus strand). VCF-style (leftmost placement, unchanged base first): chr21-32700021-GT-G. GRCh37 (hg19) VCF-style: chr21-34072331-GT-G.
Other names: c.295delA, p.Thr99Leufs (NM_001160302.2); c.295del, p.Thr99fs (NM_001160306.2); c.412delA, p.Thr138Leufs (NM_003895.4); short protein forms T138fs, T99fs.
Identifiers: ClinVar variation 1361698 (VCV001361698.6), dbSNP rs2146213651, ClinGen allele CA2573157328.